The following is an entry in ClinVar:

NM_006180.6(NTRK2):c.754A>T (p.Ile252Leu)

Gene: NTRK2 (neurotrophic receptor tyrosine kinase 2; plus strand). Cytogenetic location: 9q21.33.
Variant type: single nucleotide variant.
Coding change: c.754A>T on transcript NM_006180.6 (MANE Select); coding-DNA position 754, A replaced by T.
Protein change: p.Ile252Leu; replaces isoleucine 252 with leucine.
Molecular consequence: missense variant.
Genome position (GRCh38, 1-based): chr9:84,724,257, A>T. VCF-style: chr9-84724257-A-T. GRCh37 (hg19) VCF-style: chr9-87339172-A-T.
Other names: c.754A>T, p.Ile252Leu (NM_001007097.3, NM_001018064.3, NM_001018065.2 and 18 more transcripts); c.286A>T, p.Ile96Leu (NM_001369550.1, NM_001369551.1, NM_001369535.1 and 2 more transcripts); short protein forms I252L, I96L.
Identifiers: ClinVar variation 3691011 (VCV003691011.2).
Genomic context (GRCh38, chr9:84,724,257, plus strand): 5'-TATTTTTGTCTGTTAATTCATTTGTAGAATGAAACAAGCCACACACAGGGCTCCTTAAGG[A>T]TAACTAACATTTCATCCGATGACAGTGGGAAGCAGATCTCTTGTGTGGCGGAAAATCTTG-3'
Protein context (NP_006171.2, residues 242-262): ETSHTQGSLR[Ile252Leu]TNISSDDSGK

ClinVar aggregate classification (germline): Uncertain significance (1 of 4 stars; one submission).

gnomAD v4.1: 1 of 1,614,166 alleles (0.000062%); highest among the groups gnomAD compares: Non-Finnish European, 0.000085%; no homozygotes.

Submission:

Labcorp Genetics (formerly Invitae), Labcorp
Classification: Uncertain significance. Last evaluated: 2024-12-17. Review status: criteria provided, single submitter. Criteria: Invitae Variant Classification Sherloc (09022015). Collection method: clinical testing. Allele origin: germline.
Comment: This sequence change replaces isoleucine, which is neutral and non-polar, with leucine, which is neutral and non-polar, at codon 252 of the NTRK2 protein (p.Ile252Leu). This variant is present in population databases (no rsID available, gnomAD 0.0009%). This variant has not been reported in the literature in individuals affected with NTRK2-related conditions. An algorithm developed to predict the effect of missense changes on protein structure and function (PolyPhen-2) suggests that this variant is likely to be tolerated. In summary, the available evidence is currently insufficient to determine the role of this variant in disease. Therefore, it has been classified as a Variant of Uncertain Significance.